The following is an entry in ClinVar:

ClinVar aggregate classification (germline): Likely pathogenic (1 of 4 stars; one submission).

Conditions:
Anauxetic dysplasia 2 (ANXD2). Identifiers: MedGen C4479357, MONDO:0054561, OMIM 617396.

Submission:

Department of Molecular Genetics, Istishari Arab Hospital
Classification: Likely pathogenic for Anauxetic dysplasia 2. Last evaluated: 2026-07-21. Review status: criteria provided, single submitter. Criteria: ACMG Guidelines, 2015. Collection method: clinical testing. Allele origin: germline. Inheritance: Autosomal recessive inheritance. Affected: yes.
Comment: The POP1 variant c.632G>A p.(Arg211Gln) causes an amino acid change from Arg to Gln at position 211. According to HGMD Professional 2022.4, this variant has previously been described as disease-causing for Short stature with mild skeletal dysplasia by Abdulhadi-Atwan et al., 2020 (PMID: 32134183). It is classified as likely pathogenic according to the recommendations of ACMG/AMP/ClinGen SVI guidelines.

Literature cited by the submitters: PubMed 32134183.

NM_001145860.2(POP1):c.632G>A (p.Arg211Gln)

Gene: POP1 (POP1 ribonuclease P/MRP subunit; plus strand). Cytogenetic location: 8q22.2.
Variant type: single nucleotide variant.
Coding change: c.632G>A on transcript NM_001145860.2 (MANE Select); coding-DNA position 632, G replaced by A.
Protein change: p.Arg211Gln; replaces arginine 211 with glutamine.
Molecular consequence: missense variant.
Genome position (GRCh38, 1-based): chr8:98,130,123, G>A. VCF-style: chr8-98130123-G-A. GRCh37 (hg19) VCF-style: chr8-99142351-G-A.
Other names: p.Arg211Gln; c.632G>A, p.Arg211Gln (NM_001145861.2, NM_015029.3); short protein forms R211Q.
Identifiers: ClinVar variation 4880036 (VCV004880036.1).